The following is an entry in ClinVar:

ClinVar aggregate classification (germline): Benign/Likely benign. Review status: criteria provided, multiple submitters, no conflicts (2 of 4 stars). 2 submissions from 2 submitters: Benign (1); Likely benign (1). Last evaluated 2026-01-04.

Allele frequency attached by ClinVar (database versions not stated): ExAC 0.00064; gnomAD 0.00216 and 0.00228; ESP Exome Variant Server 0.00246; TOPMed 0.00257; 1000 Genomes Project 0.00280; 1000 Genomes Project 30x 0.00312.
gnomAD v4.1: 630 of 1,611,996 alleles (0.039%); highest among the groups gnomAD compares: African/African-American, 0.68%; 2 homozygotes.

Submissions (2):

Labcorp Genetics (formerly Invitae), Labcorp
Classification: Benign. Last evaluated: 2026-01-04. Review status: criteria provided, single submitter. Criteria: Invitae Variant Classification Sherloc (09022015). Collection method: clinical testing. Allele origin: germline.

GeneDx
Classification: Likely benign. Last evaluated: 2017-08-15. Review status: criteria provided, single submitter. Criteria: GeneDx Variant Classification (06012015). Collection method: clinical testing. Allele origin: germline. Affected: yes.
Comment: This variant is considered likely benign or benign based on one or more of the following criteria: it is a conservative change, it occurs at a poorly conserved position in the protein, it is predicted to be benign by multiple in silico algorithms, and/or has population frequency not consistent with disease.

NM_018060.4(IARS2):c.2897-15T>C

Gene: IARS2 (isoleucyl-tRNA synthetase 2, mitochondrial; plus strand). Cytogenetic location: 1q41.
Variant type: single nucleotide variant.
Coding change: c.2897-15T>C on transcript NM_018060.4 (MANE Select); 15 bases into the intron before coding-DNA position 2897, T replaced by C.
Molecular consequence: intron variant.
Genome position (GRCh38, 1-based): chr1:220,147,478, T>C. VCF-style: chr1-220147478-T-C. GRCh37 (hg19) VCF-style: chr1-220320820-T-C.
Identifiers: ClinVar variation 511200 (VCV000511200.9), dbSNP rs191806652, ClinGen allele CA1401884.